The following is an entry in ClinVar:

ClinVar aggregate classification (germline): Uncertain significance (1 of 4 stars; one submission).

Submission:

Labcorp Genetics (formerly Invitae), Labcorp
Classification: Uncertain significance. Last evaluated: 2025-06-23. Review status: criteria provided, single submitter. Criteria: Invitae Variant Classification Sherloc (09022015). Collection method: clinical testing. Allele origin: germline.
Comment: This sequence change replaces methionine, which is neutral and non-polar, with isoleucine, which is neutral and non-polar, at codon 359 of the POLE protein (p.Met359Ile). This variant is not present in population databases (gnomAD no frequency). This variant has not been reported in the literature in individuals affected with POLE-related conditions. ClinVar contains an entry for this variant (Variation ID: 999391). Invitae Evidence Modeling of protein sequence and biophysical properties (such as structural, functional, and spatial information, amino acid conservation, physicochemical variation, residue mobility, and thermodynamic stability) indicates that this missense variant is not expected to disrupt POLE protein function with a negative predictive value of 80%. In summary, the available evidence is currently insufficient to determine the role of this variant in disease. Therefore, it has been classified as a Variant of Uncertain Significance.

NM_006231.4(POLE):c.1077G>A (p.Met359Ile)

Gene: POLE (DNA polymerase epsilon, catalytic subunit; minus strand). Cytogenetic location: 12q24.33.
Variant type: single nucleotide variant.
Coding change: c.1077G>A on transcript NM_006231.4 (MANE Select); coding-DNA position 1077, G replaced by A.
Protein change: p.Met359Ile; replaces methionine 359 with isoleucine.
Molecular consequence: missense variant.
Genome position (GRCh38, 1-based): chr12:132,675,764, C>T on the plus strand (G>A on the coding strand, the complement: POLE is on the minus strand). VCF-style: chr12-132675764-C-T. GRCh37 (hg19) VCF-style: chr12-133252350-C-T.
Other names: short protein forms M359I.
Identifiers: ClinVar variation 999391 (VCV000999391.8), dbSNP rs2043035233, ClinGen allele CA387361466.
Genomic context (GRCh38, chr12:132,675,764, plus strand): 5'-CCAGTTACTCATAGAGAAGACACAGACTCACCAGTCAAAAAAGTCCCCGTTGTAGGTGAC[C>T]ATGATGGTGGGTTTGGTCTCCTGGACGTGTTCAAACCACCTTTGGATCAGATGAGCCTGA-3'
Protein context (NP_006222.2, residues 349-369): EHVQETKPTI[Met359Ile]VTYNGDFFDW